The following is an entry in ClinVar:

ClinVar aggregate classification (germline): Pathogenic (1 of 4 stars; one submission).

Conditions:
Congenital dyserythropoietic anemia, type II (CDAN2). Also called: DYSERYTHROPOIETIC ANEMIA, HEMPAS TYPE. Identifiers: Orphanet 98873, MedGen C1306589, MONDO:0009134, OMIM 224100.
Cowden syndrome 7 (CWS7). Identifiers: Orphanet 201, MedGen C4225179, MONDO:0014802, OMIM 616858.

Submission:

Labcorp Genetics (formerly Invitae), Labcorp
Classification: Pathogenic for Congenital dyserythropoietic anemia, type II; Cowden syndrome 7. Last evaluated: 2024-03-18. Review status: criteria provided, single submitter. Criteria: Invitae Variant Classification Sherloc (09022015). Collection method: clinical testing. Allele origin: germline.
Comment: This sequence change creates a premature translational stop signal (p.Leu195Phefs*45) in the SEC23B gene. It is expected to result in an absent or disrupted protein product. Loss-of-function variants in SEC23B are known to be pathogenic (PMID: 19561605, 25044164). This variant is present in population databases (no rsID available, gnomAD 0.0009%). This variant has not been reported in the literature in individuals affected with SEC23B-related conditions. For these reasons, this variant has been classified as Pathogenic.

Literature cited by the submitters: PubMed 19561605; PubMed 25044164.

NM_006363.6(SEC23B):c.584dup (p.Leu195fs)

Genes: SEC23B (SEC23 homolog B, COPII component; plus strand), LOC126862987 (MED14-independent group 3 enhancer GRCh37_chr20:18504796-18505995; plus strand). Cytogenetic location: 20p11.23.
Variant type: Duplication.
Coding change: c.584dup on transcript NM_006363.6 (MANE Select); coding-DNA position 584, one base duplicated (T; older notation c.584dupT).
Protein change: p.Leu195fs; shifts the reading frame from leucine 195.
Molecular consequence: frameshift variant.
Genome position (GRCh38, 1-based): chr20:18,524,650, T duplicated; the last of 3 consecutive T bases (chr20:18,524,648-18,524,650); duplicating any one gives the same sequence. VCF-style (leftmost placement, unchanged base first): chr20-18524647-A-AT. GRCh37 (hg19) VCF-style: chr20-18505291-A-AT.
Other names: c.584dup, p.Leu195fs (NM_001172745.3, NM_032985.6, NM_032986.5); c.530dup, p.Leu177fs (NM_001172746.3); short protein forms L177fs, L195fs.
Identifiers: ClinVar variation 2953423 (VCV002953423.3), dbSNP rs1568605364, ClinGen allele CA635265103.